The following is an entry in ClinVar:

NM_001267550.2(TTN):c.28823A>G (p.Gln9608Arg)

Gene: TTN (titin; minus strand). Cytogenetic location: 2q31.2.
Variant type: single nucleotide variant.
Coding change: c.28823A>G on transcript NM_001267550.2 (MANE Select); coding-DNA position 28823, A replaced by G.
Protein change: p.Gln9608Arg; replaces glutamine 9608 with arginine.
Molecular consequence: missense variant. On other transcripts: intron variant (3).
Genome position (GRCh38, 1-based): chr2:178,707,744, T>C on the plus strand (A>G on the coding strand, the complement: TTN is on the minus strand). VCF-style: chr2-178707744-T-C. GRCh37 (hg19) VCF-style: chr2-179572471-T-C.
Other names: c.27872A>G, p.Gln9291Arg (NM_001256850.1); c.25091A>G, p.Gln8364Arg (NM_133378.4); c.13282+30338A>G (NM_003319.4); c.13858+30338A>G (NM_133437.4); c.13657+30338A>G (NM_133432.3); short protein forms Q8364R, Q9291R, Q9608R.
Identifiers: ClinVar variation 3894777 (VCV003894777.1).

ClinVar aggregate classification (germline): Likely benign (1 of 4 stars; one submission).

Submission:

Molecular Diagnostic Laboratory for Inherited Cardiovascular Disease, Montreal Heart Institute
Classification: Likely benign. Last evaluated: 2025-04-09. Review status: criteria provided, single submitter. Criteria: ACMG Guidelines, 2015. Collection method: clinical testing. Allele origin: germline. Affected: no.
Comment: BP1